The following is an entry in ClinVar:

ClinVar aggregate classification (germline): Uncertain significance. Review status: criteria provided, multiple submitters, no conflicts (2 of 4 stars). 2 submissions from 2 submitters: Uncertain significance (2). Last evaluated 2025-04-01.

Allele frequency attached by ClinVar (database versions not stated): ExAC 0.00002; TOPMed below 0.00001; gnomAD exomes 0.00001.

Submissions (2):

GeneDx
Classification: Uncertain significance. Last evaluated: 2025-04-01. Review status: criteria provided, single submitter. Criteria: GeneDx Variant Classification Process June 2021. Collection method: clinical testing. Allele origin: germline.
Comment: Not observed at significant frequency in large population cohorts (gnomAD); Missense variant in a gene in which most reported pathogenic variants are truncating/loss of function; Has not been previously published as pathogenic or benign to our knowledge

Revvity Omics, Revvity
Classification: Uncertain significance. Last evaluated: 2020-03-18. Review status: criteria provided, single submitter. Criteria: ACMG Guidelines, 2015. Collection method: clinical testing. Allele origin: germline.

NM_001267550.2(TTN):c.66353C>T (p.Thr22118Ile)

Genes: TTN (titin; minus strand), TTN-AS1 (TTN antisense RNA 1; plus strand). Cytogenetic location: 2q31.2.
Variant type: single nucleotide variant.
Coding change: c.66353C>T on transcript NM_001267550.2 (MANE Select); coding-DNA position 66353, C replaced by T.
Protein change: p.Thr22118Ile; replaces threonine 22118 with isoleucine.
Molecular consequence: missense variant.
Genome position (GRCh38, 1-based): chr2:178,582,016, G>A on the plus strand (C>T on the coding strand, the complement: TTN is on the minus strand). VCF-style: chr2-178582016-G-A. GRCh37 (hg19) VCF-style: chr2-179446743-G-A.
Other names: c.39533C>T, p.Thr13178Ile (NM_133432.3); c.39734C>T, p.Thr13245Ile (NM_133437.4); c.61430C>T, p.Thr20477Ile (NM_001256850.1); c.39158C>T, p.Thr13053Ile (NM_003319.4); c.58649C>T, p.Thr19550Ile (NM_133378.4); short protein forms T13053I, T13178I, T13245I, T19550I, T20477I, T22118I.
Identifiers: ClinVar variation 2437473 (VCV002437473.5), dbSNP rs751985481, ClinGen allele CA1991539.